The following is an entry in ClinVar:

NM_017763.6(RNF43):c.171del (p.Thr58fs)

Gene: RNF43 (ring finger protein 43; minus strand). Cytogenetic location: 17q22.
Variant type: Deletion.
Coding change: c.171del on transcript NM_017763.6 (MANE Select); coding-DNA position 171, one base deleted (C; older notation c.171delC).
Protein change: p.Thr58fs; shifts the reading frame from threonine 58.
Molecular consequence: frameshift variant.
Genome position (GRCh38, 1-based): chr17:58,415,407, G deleted on the plus strand (C on the coding strand, the reverse complement: RNF43 is on the minus strand); the first of 4 consecutive G bases (chr17:58,415,407-58,415,410); deleting any one gives the same sequence. VCF-style (leftmost placement, unchanged base first): chr17-58415406-TG-T. GRCh37 (hg19) VCF-style: chr17-56492767-TG-T.
Other names: c.168delC, p.Thr58Glnfs (NM_001305544.3); short protein forms T58fs.
Identifiers: ClinVar variation 1363089 (VCV001363089.6), dbSNP rs2143695288, ClinGen allele CA2573154139.

ClinVar aggregate classification (germline): Uncertain significance (1 of 4 stars; one submission).

Submission:

Labcorp Genetics (formerly Invitae), Labcorp
Classification: Uncertain significance. Last evaluated: 2021-04-23. Review status: criteria provided, single submitter. Criteria: Invitae Variant Classification Sherloc (09022015). Collection method: clinical testing. Allele origin: germline.
Comment: In summary, the available evidence is currently insufficient to determine the role of this variant in disease. Therefore, it has been classified as a Variant of Uncertain Significance. This variant has not been reported in the literature in individuals with RNF43-related conditions. This variant is not present in population databases (ExAC no frequency). This sequence change creates a premature translational stop signal (p.Thr58Glnfs*4) in the RNF43 gene. It is expected to result in an absent or disrupted protein product. However, the current clinical and genetic evidence is not sufficient to establish whether loss-of-function variants in RNF43 cause disease.